The following is an entry in ClinVar:

NM_001374736.1(DST):c.4960G>T (p.Val1654Phe)

Gene: DST (dystonin; minus strand). Cytogenetic location: 6p12.1.
Variant type: single nucleotide variant.
Coding change: c.4960G>T on transcript NM_001374736.1 (MANE Select); coding-DNA position 4960, G replaced by T.
Protein change: p.Val1654Phe; replaces valine 1654 with phenylalanine.
Molecular consequence: missense variant.
Genome position (GRCh38, 1-based): chr6:56,614,454, C>A on the plus strand (G>T on the coding strand, the complement: DST is on the minus strand). VCF-style: chr6-56614454-C-A. GRCh37 (hg19) VCF-style: chr6-56479252-C-A.
Other names: c.4861G>T, p.Val1621Phe (NM_001144769.5); c.4447G>T, p.Val1483Phe (NM_001144770.2); c.4960G>T, p.Val1654Phe (NM_001374722.1); c.4327G>T, p.Val1443Phe (NM_001374729.1, NM_001374730.1, NM_001386100.1 and 1 more transcripts); c.4987G>T, p.Val1663Phe (NM_001374734.1); c.3349G>T, p.Val1117Phe (NM_015548.5); short protein forms V1483F, V1663F, V1117F, V1443F, V1621F, V1654F.
Identifiers: ClinVar variation 2189787 (VCV002189787.4), dbSNP rs368519627, ClinGen allele CA139204308.

ClinVar aggregate classification (germline): Uncertain significance (1 of 4 stars; one submission).

Conditions:
Hereditary sensory and autonomic neuropathy type 6. Also called: HSAN VI; Neuropathy, hereditary sensory and autonomic, type VI. Identifiers: Orphanet 314381, MedGen C3539003, MONDO:0013839, OMIM 614653.
Epidermolysis bullosa simplex 3, localized or generalized intermediate, with BP230 deficiency (EBS3). Also called: Epidermolysis bullosa simplex due to BP230 deficiency; Epidermolysis bullosa simplex, autosomal recessive 2. Identifiers: Orphanet 412181, MedGen C3809470, MONDO:0014180, OMIM 615425.

Allele frequency attached by ClinVar (database versions not stated): ESP Exome Variant Server 0.00008.

Submission:

Labcorp Genetics (formerly Invitae), Labcorp
Classification: Uncertain significance for Epidermolysis bullosa simplex 3, localized or generalized intermediate, with BP230 deficiency; Hereditary sensory and autonomic neuropathy type 6. Last evaluated: 2022-05-21. Review status: criteria provided, single submitter. Criteria: Invitae Variant Classification Sherloc (09022015). Collection method: clinical testing. Allele origin: germline.
Comment: In summary, the available evidence is currently insufficient to determine the role of this variant in disease. Therefore, it has been classified as a Variant of Uncertain Significance. Experimental studies and prediction algorithms are not available or were not evaluated, and the functional significance of this variant is currently unknown. This variant has not been reported in the literature in individuals affected with DST-related conditions. This variant is not present in population databases (gnomAD no frequency). This sequence change replaces valine, which is neutral and non-polar, with phenylalanine, which is neutral and non-polar, at codon 1117 of the DST protein (p.Val1117Phe). The DST gene has multiple clinically relevant transcripts. This variant occurs in alternate transcript NM_015548.4, and corresponds to NM_001723.5:c.*1063G>T in the primary transcript.